The following is an entry in ClinVar:

NM_001354604.2(MITF):c.1474C>G (p.Pro492Ala)

Gene: MITF (melanocyte inducing transcription factor; plus strand). Cytogenetic location: 3p13.
Variant type: single nucleotide variant.
Coding change: c.1474C>G on transcript NM_001354604.2 (MANE Select); coding-DNA position 1474, C replaced by G.
Protein change: p.Pro492Ala; replaces proline 492 with alanine.
Molecular consequence: missense variant.
Genome position (GRCh38, 1-based): chr3:69,965,141, C>G. VCF-style: chr3-69965141-C-G. GRCh37 (hg19) VCF-style: chr3-70014292-C-G.
Other names: c.1153C>G, p.Pro385Ala (NM_000248.4); c.1300C>G, p.Pro434Ala (NM_001184967.2, NM_001354608.2); c.1471C>G, p.Pro491Ala (NM_001354605.2); c.1453C>G, p.Pro485Ala (NM_001354606.2, NM_006722.3); c.1405C>G, p.Pro469Ala (NM_001354607.2); c.1135C>G, p.Pro379Ala (NM_198158.3); c.1456C>G, p.Pro486Ala (NM_198159.3); c.1408C>G, p.Pro470Ala (NM_198177.3); and 1 more; short protein forms P323A, P379A, P385A, P434A, P469A, P470A, P485A, P486A.
Identifiers: ClinVar variation 3758218 (VCV003758218.2).
Genomic context (GRCh38, chr3:69,965,141, plus strand): 5'-AGTGTCCCCACAAAAATGGGATCCAAACTGGAAGACATCCTGATGGACGACACCCTTTCT[C>G]CCGTCGGTGTCACTGATCCACTCCTTTCCTCAGTGTCCCCCGGAGCTTCCAAAACAAGCA-3'
Protein context (NP_001341533.1, residues 482-502): EDILMDDTLS[Pro492Ala]VGVTDPLLSS

ClinVar aggregate classification (germline): Uncertain significance (1 of 4 stars; one submission).

Conditions:
Melanoma, cutaneous malignant, susceptibility to, 8. Also called: MELANOMA AND RENAL CELL CARCINOMA, SUSCEPTIBILITY TO; Cutaneous malignant melanoma 8. Identifiers: Orphanet 293822, MedGen C3152204, MONDO:0013759, OMIM 614456.
Tietz syndrome (TADS). Also called: ALBINISM-DEAFNESS OF TIETZ; HYPOPIGMENTATION/DEAFNESS OF TIETZ; TIETZ ALBINISM-DEAFNESS SYNDROME. Identifiers: Orphanet 42665, MedGen C0391816, MONDO:0007077, OMIM 103500.
Waardenburg syndrome type 2A (WS2A). Also called: WAARDENBURG SYNDROME WITHOUT DYSTOPIA CANTHORUM. Identifiers: Orphanet 3440, MedGen C1860339, MONDO:0008671, OMIM 193510.

gnomAD v4.1: 1 of 1,614,094 alleles (0.000062%); highest among the groups gnomAD compares: South Asian, 0.0011%; no homozygotes.

Submission:

Labcorp Genetics (formerly Invitae), Labcorp
Classification: Uncertain significance for Melanoma, cutaneous malignant, susceptibility to, 8; Waardenburg syndrome type 2A; Tietz syndrome. Last evaluated: 2024-09-24. Review status: criteria provided, single submitter. Criteria: Invitae Variant Classification Sherloc (09022015). Collection method: clinical testing. Allele origin: germline.
Comment: This sequence change replaces proline, which is neutral and non-polar, with alanine, which is neutral and non-polar, at codon 385 of the MITF protein (p.Pro385Ala). This variant is present in population databases (no rsID available, gnomAD 0.003%). This variant has not been reported in the literature in individuals affected with MITF-related conditions. Invitae Evidence Modeling of protein sequence and biophysical properties (such as structural, functional, and spatial information, amino acid conservation, physicochemical variation, residue mobility, and thermodynamic stability) has been performed for this missense variant. However, the output from this modeling did not meet the statistical confidence thresholds required to predict the impact of this variant on MITF protein function. In summary, the available evidence is currently insufficient to determine the role of this variant in disease. Therefore, it has been classified as a Variant of Uncertain Significance.